The following is an entry in ClinVar:

ClinVar aggregate classification (germline): Conflicting classifications of pathogenicity. Review status: criteria provided, conflicting classifications (1 of 4 stars). 5 submissions from 5 submitters: Likely pathogenic (2); Uncertain significance (3). Last evaluated 2026-08-19.

Conditions:
PKHD1-related disorder. Also called: PKHD1-related condition.
Autosomal recessive polycystic kidney disease (ARPKD). Also called: AR polycystic kidney disease. Identifiers: Orphanet 731, Orphanet 8378, MedGen C0085548, MeSH D017044, MONDO:0009889.
Polycystic kidney disease 4 (PKD4). Also called: POLYCYSTIC KIDNEY DISEASE 4 WITH OR WITHOUT POLYCYSTIC LIVER DISEASE; PKD3; POLYCYSTIC KIDNEY AND HEPATIC DISEASE 1; POLYCYSTIC KIDNEY DISEASE, INFANTILE, TYPE I; Autosomal Recessive Polycystic Kidney Disease – PKHD1. Identifiers: MedGen C4540575, MONDO:0033004, OMIM 263200.

Allele frequency attached by ClinVar (database versions not stated): ExAC 0.00001; gnomAD 0.00001; gnomAD exomes 0.00001; TOPMed 0.00003; 1000 Genomes Project 0.00020; 1000 Genomes Project 30x 0.00031.
gnomAD v4.1: 7 of 1,613,806 alleles (0.00043%); highest among the groups gnomAD compares: Admixed American, 0.0067%; no homozygotes.

Submissions (5):

Myriad Genetics, Inc.
Classification: Uncertain significance for Polycystic kidney disease 4. Last evaluated: 2026-08-19. Review status: criteria provided, single submitter. Criteria: Myriad Autosomal Dominant, Autosomal Recessive and X-Linked Classification Criteria (2023). Collection method: clinical testing. Allele origin: unknown.
Comment: NM_138694.3(PKHD1):c.3383T>C(I1128T) is a missense variant classified as a variant of uncertain significance in the context of autosomal recessive polycystic kidney disease, PKHD1-related. I1128T has been observed in cases with relevant disease (PMID: 24162162, 37801220, 37353797). Relevant functional assessments of this variant are not available in the literature. I1128T has been observed in referenced population frequency databases. In summary, there is insufficient evidence to classify NM_138694.3(PKHD1):c.3383T>C(I1128T) as pathogenic or benign. Please note: this variant was assessed in the context of healthy population screening.

PreventionGenetics, part of Exact Sciences
Classification: Likely pathogenic for PKHD1-related condition. Last evaluated: 2025-08-13. Review status: criteria provided, single submitter. Criteria: ACMG Guidelines, 2015. Collection method: clinical testing. Allele origin: germline.
Comment: The PKHD1 c.3383T>C variant is predicted to result in the amino acid substitution p.Ile1128Thr. This variant has been reported in an individual with autosomal recessive polycystic kidney disease (ARPKD) in trans with a frameshift variant (Krall et al. 2014. PubMed ID: 24162162) and in an individual with atypical cystic hepatorenal disease along with another potentially causative PKHD1 missense variant (Barbey et al. 2023. PubMed ID: 37801220). This variant is reported in 0.0058% of alleles in individuals of Latino descent in gnomAD. Given this evidence, we interpret this variant to be likely pathogenic.

Labcorp Genetics (formerly Invitae), Labcorp
Classification: Likely pathogenic for Autosomal recessive polycystic kidney disease. Last evaluated: 2025-04-01. Review status: criteria provided, single submitter. Criteria: Invitae Variant Classification Sherloc (09022015). Collection method: clinical testing. Allele origin: germline.
Comment: This sequence change replaces isoleucine, which is neutral and non-polar, with threonine, which is neutral and polar, at codon 1128 of the PKHD1 protein (p.Ile1128Thr). This variant is present in population databases (rs78624439, gnomAD 0.006%). This missense change has been observed in individual(s) with PKHD1-related conditions (PMID: 24162162). In at least one individual the data is consistent with being in trans (on the opposite chromosome) from a pathogenic variant. ClinVar contains an entry for this variant (Variation ID: 1482161). Invitae Evidence Modeling of protein sequence and biophysical properties (such as structural, functional, and spatial information, amino acid conservation, physicochemical variation, residue mobility, and thermodynamic stability) indicates that this missense variant is expected to disrupt PKHD1 protein function with a positive predictive value of 95%. In summary, the currently available evidence indicates that the variant is pathogenic, but additional data are needed to prove that conclusively. Therefore, this variant has been classified as Likely Pathogenic.

Fulgent Genetics
Classification: Uncertain significance for Polycystic kidney disease 4. Last evaluated: 2024-06-17. Review status: criteria provided, single submitter. Criteria: ACMG Guidelines, 2015. Collection method: clinical testing. Allele origin: germline.

GeneDx
Classification: Uncertain significance. Last evaluated: 2022-12-09. Review status: criteria provided, single submitter. Criteria: GeneDx Variant Classification Process June 2021. Collection method: clinical testing. Allele origin: germline. Affected: yes.
Comment: Not observed at significant frequency in large population cohorts (gnomAD); In silico analysis supports that this missense variant has a deleterious effect on protein structure/function; This variant is associated with the following publications: (PMID: 24162162)

Literature cited by the submitters: PubMed 24162162 (cited by Myriad Genetics, Inc. and Labcorp Genetics (formerly Invitae), Labcorp); PubMed 37353797 (cited by Myriad Genetics, Inc.); PubMed 37801220 (cited by Myriad Genetics, Inc.).

NM_138694.4(PKHD1):c.3383T>C (p.Ile1128Thr)

Gene: PKHD1 (PKHD1 ciliary IPT domain containing fibrocystin/polyductin; minus strand). Cytogenetic location: 6p12.2.
Variant type: single nucleotide variant.
Coding change: c.3383T>C on transcript NM_138694.4 (MANE Select); coding-DNA position 3383, T replaced by C.
Protein change: p.Ile1128Thr; replaces isoleucine 1128 with threonine.
Molecular consequence: missense variant.
Genome position (GRCh38, 1-based): chr6:52,028,333, A>G on the plus strand (T>C on the coding strand, the complement: PKHD1 is on the minus strand). VCF-style: chr6-52028333-A-G. GRCh37 (hg19) VCF-style: chr6-51893131-A-G.
Other names: c.3383T>C, p.Ile1128Thr (NM_170724.3); c.3383T>C (NM_138694.3); short protein forms I1128T.
Identifiers: ClinVar variation 1482161 (VCV001482161.12), dbSNP rs78624439, ClinGen allele CA3852954.